The following is an entry in ClinVar:

ClinVar aggregate classification (germline): Benign/Likely benign. Review status: criteria provided, multiple submitters, no conflicts (2 of 4 stars). 4 submissions from 4 submitters: Benign (1); Likely benign (3). Last evaluated 2025-03-01.

Conditions:
Familial cancer of breast. Also called: BREAST CANCER, FAMILIAL; Hereditary breast cancer; hereditary breast carcinoma. Identifiers: Orphanet 227535, MedGen C0346153, MONDO:0016419, OMIM 114480. Disease mechanism: loss of function.
Hereditary cancer-predisposing syndrome. Also called: Neoplastic Syndromes, Hereditary; Tumor predisposition; Hereditary Cancer Syndrome; Hereditary neoplastic syndrome. Identifiers: Orphanet 140162, MedGen C0027672, MeSH D009386, MONDO:0015356.

Allele frequency attached by ClinVar (database versions not stated): gnomAD exomes below 0.00001; TOPMed below 0.00001; gnomAD 0.00001.
gnomAD v4.1: 2 of 1,613,864 alleles (0.00012%); highest among the groups gnomAD compares: Non-Finnish European, 0.00017%; no homozygotes.

Submissions (4):

Labcorp Genetics (formerly Invitae), Labcorp
Classification: Likely benign for Familial cancer of breast. Last evaluated: 2025-03-01. Review status: criteria provided, single submitter. Criteria: Invitae Variant Classification Sherloc (09022015). Collection method: clinical testing. Allele origin: germline.

Myriad Genetics, Inc.
Classification: Benign for Familial cancer of breast. Last evaluated: 2024-10-03. Review status: criteria provided, single submitter. Criteria: Myriad Autosomal Dominant, Autosomal Recessive and X-Linked Classification Criteria (2023). Collection method: clinical testing. Allele origin: unknown.
Comment: This variant is considered benign. This variant is a silent/synonymous amino acid change and it is not expected to impact splicing.

Color Diagnostics, LLC DBA Color Health
Classification: Likely benign for Hereditary cancer-predisposing syndrome. Last evaluated: 2018-06-19. Review status: criteria provided, single submitter. Criteria: ACMG Guidelines, 2015. Collection method: clinical testing. Allele origin: germline.

Ambry Genetics
Classification: Likely benign for Hereditary cancer-predisposing syndrome. Last evaluated: 2016-04-14. Review status: criteria provided, single submitter. Criteria: Ambry Variant Classification Scheme 2023. Collection method: clinical testing. Allele origin: germline.

NM_007194.4(CHEK2):c.717G>A (p.Glu239=)

Gene: CHEK2 (checkpoint kinase 2; minus strand). Cytogenetic location: 22q12.1.
Variant type: single nucleotide variant.
Coding change: c.717G>A on transcript NM_007194.4 (MANE Select); coding-DNA position 717, G replaced by A.
Protein change: p.Glu239=; no amino-acid change (glutamic acid 239 retained).
Molecular consequence: synonymous variant.
Genome position (GRCh38, 1-based): chr22:28,711,984, C>T on the plus strand (G>A on the coding strand, the complement: CHEK2 is on the minus strand). VCF-style: chr22-28711984-C-T. GRCh37 (hg19) VCF-style: chr22-29107972-C-T.
Other names: c.846G>A, p.Glu282= (NM_001005735.3); c.54G>A, p.Glu18= (NM_001257387.3); c.516G>A, p.Glu172= (NM_001349956.3); c.717G>A, p.Glu239= (NM_145862.3).
Identifiers: ClinVar variation 481713 (VCV000481713.20), dbSNP rs1555921253, ClinGen allele CA513945195.